The following is an entry in ClinVar:

ClinVar aggregate classification (germline): Uncertain significance (1 of 4 stars; one submission).

Conditions:
Neuromuscular disease caused by qualitative or quantitative defects of dysferlin. Also called: Qualitative or quantitative defects of dysferlin; Dysferlinopathy. Identifiers: Orphanet 207073, MedGen C2931687, MONDO:0016145.

gnomAD v4.1: 1 of 1,614,126 alleles (0.000062%); highest among the groups gnomAD compares: Non-Finnish European, 0.000085%; no homozygotes.

Submission:

Labcorp Genetics (formerly Invitae), Labcorp
Classification: Uncertain significance for Neuromuscular disease caused by qualitative or quantitative defects of dysferlin. Last evaluated: 2021-09-29. Review status: criteria provided, single submitter. Criteria: Invitae Variant Classification Sherloc (09022015). Collection method: clinical testing. Allele origin: germline.
Comment: This sequence change replaces leucine with proline at codon 106 of the DYSF protein (p.Leu106Pro). The leucine residue is moderately conserved and there is a moderate physicochemical difference between leucine and proline. This variant is not present in population databases (ExAC no frequency). This variant has not been reported in the literature in individuals affected with DYSF-related conditions. Advanced modeling of protein sequence and biophysical properties (such as structural, functional, and spatial information, amino acid conservation, physicochemical variation, residue mobility, and thermodynamic stability) performed at Invitae indicates that this missense variant is not expected to disrupt DYSF protein function. In summary, the available evidence is currently insufficient to determine the role of this variant in disease. Therefore, it has been classified as a Variant of Uncertain Significance.

NM_001130987.2(DYSF):c.320T>C (p.Leu107Pro)

Gene: DYSF (dysferlin; plus strand). Cytogenetic location: 2p13.2.
Variant type: single nucleotide variant.
Coding change: c.320T>C on transcript NM_001130987.2 (MANE Select); coding-DNA position 320, T replaced by C.
Protein change: p.Leu107Pro; replaces leucine 107 with proline.
Molecular consequence: missense variant.
Genome position (GRCh38, 1-based): chr2:71,503,294, T>C. VCF-style: chr2-71503294-T-C. GRCh37 (hg19) VCF-style: chr2-71730424-T-C.
Other names: c.320T>C, p.Leu107Pro (NM_001130455.2, NM_001130982.2, NM_001130983.2 and 3 more transcripts); c.317T>C, p.Leu106Pro (NM_001130976.2, NM_001130977.2, NM_001130978.2 and 4 more transcripts); short protein forms L106P, L107P.
Identifiers: ClinVar variation 1397121 (VCV001397121.3), dbSNP rs2152715793, ClinGen allele CA347204508.